The following is an entry in ClinVar:

NM_032888.4(COL27A1):c.3055C>T (p.Pro1019Ser)

Gene: COL27A1 (collagen type XXVII alpha 1 chain; plus strand). Cytogenetic location: 9q32.
Variant type: single nucleotide variant.
Coding change: c.3055C>T on transcript NM_032888.4 (MANE Select); coding-DNA position 3055, C replaced by T.
Protein change: p.Pro1019Ser; replaces proline 1019 with serine.
Molecular consequence: missense variant.
Genome position (GRCh38, 1-based): chr9:114,252,614, C>T. VCF-style: chr9-114252614-C-T. GRCh37 (hg19) VCF-style: chr9-117014894-C-T.
Other names: short protein forms P1019S.
Identifiers: ClinVar variation 2170707 (VCV002170707.1), dbSNP rs1007732818, ClinGen allele CA198634802.

ClinVar aggregate classification (germline): Uncertain significance (1 of 4 stars; one submission).

Allele frequency attached by ClinVar (database versions not stated): TOPMed below 0.00001.
gnomAD v4.1: 2 of 1,613,838 alleles (0.00012%); highest among the groups gnomAD compares: East Asian, 0.0022%; no homozygotes.

Submission:

Labcorp Genetics (formerly Invitae), Labcorp
Classification: Uncertain significance. Last evaluated: 2022-06-24. Review status: criteria provided, single submitter. Criteria: Invitae Variant Classification Sherloc (09022015). Collection method: clinical testing. Allele origin: germline.
Comment: This sequence change replaces proline, which is neutral and non-polar, with serine, which is neutral and polar, at codon 1019 of the COL27A1 protein (p.Pro1019Ser). This variant is not present in population databases (gnomAD no frequency). This variant has not been reported in the literature in individuals affected with COL27A1-related conditions. Advanced modeling of protein sequence and biophysical properties (such as structural, functional, and spatial information, amino acid conservation, physicochemical variation, residue mobility, and thermodynamic stability) performed at Invitae indicates that this missense variant is not expected to disrupt COL27A1 protein function. In summary, the available evidence is currently insufficient to determine the role of this variant in disease. Therefore, it has been classified as a Variant of Uncertain Significance.